The following is an entry in ClinVar:

NM_004304.5(ALK):c.1175G>C (p.Arg392Thr)

Gene: ALK (ALK receptor tyrosine kinase; minus strand). Cytogenetic location: 2p23.2.
Variant type: single nucleotide variant.
Coding change: c.1175G>C on transcript NM_004304.5 (MANE Select); coding-DNA position 1175, G replaced by C.
Protein change: p.Arg392Thr; replaces arginine 392 with threonine.
Molecular consequence: missense variant.
Genome position (GRCh38, 1-based): chr2:29,383,839, C>G on the plus strand (G>C on the coding strand, the complement: ALK is on the minus strand). VCF-style: chr2-29383839-C-G. GRCh37 (hg19) VCF-style: chr2-29606705-C-G.
Other names: short protein forms R392T.
Identifiers: ClinVar variation 1437106 (VCV001437106.6), dbSNP rs2148301750, ClinGen allele CA346585465.

ClinVar aggregate classification (germline): Uncertain significance (1 of 4 stars; one submission).

Conditions:
Neuroblastoma, susceptibility to, 3. Also called: ALK-Related Neuroblastic Tumor Susceptibility. Identifiers: Orphanet 635, MedGen C2751681, MONDO:0013083, OMIM 613014.

Submission:

Labcorp Genetics (formerly Invitae), Labcorp
Classification: Uncertain significance for Neuroblastoma, susceptibility to, 3. Last evaluated: 2021-09-15. Review status: criteria provided, single submitter. Criteria: Invitae Variant Classification Sherloc (09022015). Collection method: clinical testing. Allele origin: germline.
Comment: This sequence change replaces arginine with threonine at codon 392 of the ALK protein (p.Arg392Thr). The arginine residue is highly conserved and there is a moderate physicochemical difference between arginine and threonine. This variant is not present in population databases (ExAC no frequency). This variant has not been reported in the literature in individuals affected with ALK-related conditions. Algorithms developed to predict the effect of missense changes on protein structure and function are either unavailable or do not agree on the potential impact of this missense change (SIFT: "Deleterious"; PolyPhen-2: "Probably Damaging"; Align-GVGD: "Class C0"). In summary, the available evidence is currently insufficient to determine the role of this variant in disease. Therefore, it has been classified as a Variant of Uncertain Significance.